The following is an entry in ClinVar:

ClinVar aggregate classification (germline): Uncertain significance. Review status: criteria provided, multiple submitters, no conflicts (2 of 4 stars). 4 submissions from 4 submitters: Uncertain significance (3). 1 of the submissions does not count toward it. Last evaluated 2026-03-10.

Conditions:
Bronchiectasis with or without elevated sweat chloride 1 (BESC1). Also called: Cystic Fibrosis-Like Syndrome. Identifiers: Orphanet 60033, MedGen C2749757, MONDO:0008887, OMIM 211400.
Hereditary pancreatitis (PCTT). Also called: PRSS1-Related Hereditary Pancreatitis; Hereditary chronic pancreatitis. Identifiers: Orphanet 676, MedGen C0238339, MONDO:0008185, OMIM 167800.
Cystic fibrosis (CF). Also called: MUCOVISCIDOSIS. Identifiers: Orphanet 586, MedGen C0010674, MONDO:0009061, OMIM 219700. Disease mechanism: loss of function.
Congenital bilateral aplasia of vas deferens from CFTR mutation (CBAVD). Identifiers: Orphanet 48, MedGen C0403814, MONDO:0010178, OMIM 277180. Disease mechanism: loss of function.

Submissions (4):

Women's Health and Genetics/Laboratory Corporation of America, LabCorp
Classification: Uncertain significance. Last evaluated: 2026-03-10. Review status: criteria provided, single submitter. Criteria: LabCorp Variant Classification Summary - May 2015. Collection method: clinical testing. Allele origin: germline.
Comment: Variant summary: CFTR c.3371_3373delAAG (p.Glu1124del) results in an in-frame deletion that is predicted to remove 1 amino acid from the encoded protein. The variant allele was found at a frequency of 8e-06 in 250910 control chromosomes. c.3371_3373delAAG has been observed in a homozygous individual affected with congenital bilateral absence of the vas deferens and chronic pancreatitis (Conway_2002), in a second homozygous individual with a negative sweat test and considered CF screen positive inconclusive diagnosis (CFSPID, Edmondson_2018), in the compound heterozygous state together with F508del in a patient affected with idiopathic chronic pancreatitis (Masson_2013), and has been reported in at least 2 alleles in a UK Cystic Fibrosis patient registry, without further genotype information provided (Vaidyanathan_2022). These data indicate that the variant may be associated with mild spectrum disease, however a link with fully expressive cystic fibrosis is as yet unclear. To our knowledge, no experimental evidence demonstrating an impact on protein function has been reported. The following publications have been ascertained in the context of this evaluation (PMID: 18687795, 12422349, 23951356, 35857025, 34405919, 29113966, 34870594, 31268981). ClinVar contains an entry for this variant (Variation ID: 53728). Based on the evidence outlined above, the variant was classified as VUS-possibly pathogenic.

Fulgent Genetics
Classification: Uncertain significance for Hereditary pancreatitis; Bronchiectasis with or without elevated sweat chloride 1; Cystic fibrosis; Congenital bilateral aplasia of vas deferens from CFTR mutation. Last evaluated: 2022-04-20. Review status: criteria provided, single submitter. Criteria: ACMG Guidelines, 2015. Collection method: clinical testing. Allele origin: unknown.

Ambry Genetics
Classification: Uncertain significance for Cystic fibrosis. Last evaluated: 2021-01-13. Review status: criteria provided, single submitter. Criteria: Ambry Variant Classification Scheme 2023. Collection method: clinical testing. Allele origin: germline.
Comment: The c.3371_3373delAAG variant (also known as p.E1124del) is located in coding exon 21 of the CFTR gene. This variant results from an in-frame AAG deletion at nucleotide positions 3371 to 3373. This results in the in-frame deletion of a glutamic acid at codon 1124. In an individual with idiopathic chronic pancreatitis, this variant was identified with CFTR p.F508del and SPINK1 p.N34S (Masson E et al. PLoS One, 2013 Aug;8:e73522). In addition, the in silico prediction for this alteration is inconclusive (Choi Y et al. PLoS ONE. 2012; 7(10):e46688). Since supporting evidence is limited at this time, the clinical significance of this alteration remains unclear.

ClinVar Staff, National Center for Biotechnology Information (NCBI)
No classification provided. Condition: CFTR-related disorders. Review status: no classification provided. Collection method: literature only. Allele origin: germline. Affected: yes. Not counted in ClinVar's aggregate classification.

Literature cited by the submitters: PubMed 18687795 (cited by Women's Health and Genetics/Laboratory Corporation of America, LabCorp); PubMed 23951356 (cited by Women's Health and Genetics/Laboratory Corporation of America, LabCorp and Ambry Genetics); PubMed 12422349 (cited by 3 submitters); PubMed 34405919 (cited by Women's Health and Genetics/Laboratory Corporation of America, LabCorp); PubMed 35857025 (cited by Women's Health and Genetics/Laboratory Corporation of America, LabCorp); PubMed 29113966 (cited by Women's Health and Genetics/Laboratory Corporation of America, LabCorp and Ambry Genetics); PubMed 34870594 (cited by Women's Health and Genetics/Laboratory Corporation of America, LabCorp); PubMed 31268981 (cited by Women's Health and Genetics/Laboratory Corporation of America, LabCorp); PubMed 24243928 (cited by Ambry Genetics).

NM_000492.4(CFTR):c.3371_3373del (p.Glu1124del)

Genes: CFTR (CF transmembrane conductance regulator; plus strand), CFTR-AS2 (CFTR antisense RNA 2; minus strand). Cytogenetic location: 7q31.2.
Variant type: Deletion.
Coding change: c.3371_3373del on transcript NM_000492.4 (MANE Select); coding-DNA positions 3371 to 3373, 3 bases deleted (AAG; older notation c.3371_3373delAAG).
Protein change: p.Glu1124del; deletes glutamic acid 1124.
Molecular consequence: inframe deletion.
Genome position (GRCh38, 1-based): chr7:117,614,616-117,614,618, AAG deleted; deleting any 3 consecutive bases within chr7:117,614,614-117,614,618 gives the same sequence; the c. name uses the placement nearest the transcript's 3' end. VCF-style (leftmost placement, unchanged base first): chr7-117614613-GAGA-G. GRCh37 (hg19) VCF-style: chr7-117254667-GAGA-G.
Other names: c.3371_3373delAAG (NM_000492.4, NM_000492.3); short protein forms E1124del.
Identifiers: ClinVar variation 53728 (VCV000053728.8), dbSNP rs397508548, ClinGen allele CA327160.